The following is an entry in ClinVar:

ClinVar aggregate classification (germline): Conflicting classifications of pathogenicity. Review status: criteria provided, conflicting classifications (1 of 4 stars). 6 submissions from 5 submitters: Likely pathogenic (3); Uncertain significance (2). 1 of the submissions does not count toward it. Last evaluated 2023-05-10.

Conditions:
Neu-Laxova syndrome 1 (NLS1). Identifiers: Orphanet 2671, Orphanet 583607, MedGen C4551478, MONDO:0009736, OMIM 256520. Disease mechanism: loss of function.
PHGDH deficiency. Identifiers: Orphanet 79351, MedGen C1866174, MONDO:0011152, OMIM 601815.

Allele frequency attached by ClinVar (database versions not stated): gnomAD exomes below 0.00001; TOPMed 0.00002.

Submissions (6):

GeneDx
Classification: Likely pathogenic. Last evaluated: 2023-05-10. Review status: criteria provided, single submitter. Criteria: GeneDx Variant Classification Process June 2021. Collection method: clinical testing. Allele origin: germline. Affected: yes.
Comment: Published functional studies demonstrate a damaging effect and show that this variant affects substrate binding and results in altered enzyme kinetics (Tabatabaie et al., 2009); Not observed at significant frequency in large population cohorts (gnomAD); In silico analysis supports that this missense variant has a deleterious effect on protein structure/function; This variant is associated with the following publications: (PMID: 20196394, 19235232)

Women's Health and Genetics/Laboratory Corporation of America, LabCorp
Classification: Uncertain significance. Last evaluated: 2022-09-22. Review status: criteria provided, single submitter. Criteria: LabCorp Variant Classification Summary - May 2015. Collection method: clinical testing. Allele origin: germline.
Comment: Variant summary: PHGDH c.781G>A (p.Val261Met) results in a conservative amino acid change located in the D-isomer specific 2-hydroxyacid dehydrogenase, catalytic domain (IPR006139) of the encoded protein sequence. Four of five in-silico tools predict a damaging effect of the variant on protein function. The variant was absent in 248336 control chromosomes (gnomAD). c.781G>A has been reported in the literature as a homozygous genotype in at least one individual affected with Phosphoglycerate Dehydrogenase Deficiency (e.g. Tabatabaie_2009 and Coskun_2009). These data indicate that the variant may be associated with disease. At least one publication reports experimental evidence evaluating an impact on protein function. The variant effect resulted in approximately 22% of normal activity, and reduced substrate affinity (e.g. Tabatabaie_2009). One submitter has provided an assessment for this variant to ClinVar after 2014 without evidence for independent evaluation and classified it as likely pathogenic. Based on the evidence outlined above, the variant was classified as VUS-possibly pathogenic.

Labcorp Genetics (formerly Invitae), Labcorp
Classification: Uncertain significance for PHGDH deficiency. Last evaluated: 2021-09-17. Review status: criteria provided, single submitter. Criteria: Invitae Variant Classification Sherloc (09022015). Collection method: clinical testing. Allele origin: germline.
Comment: This sequence change replaces valine with methionine at codon 261 of the PHGDH protein (p.Val261Met). The valine residue is highly conserved and there is a small physicochemical difference between valine and methionine. This variant is not present in population databases (ExAC no frequency). This variant has been observed in individual(s) with phosphoglycerate dehydrogenase deficiency (PMID: 19235232). ClinVar contains an entry for this variant (Variation ID: 3872). Algorithms developed to predict the effect of missense changes on protein structure and function are either unavailable or do not agree on the potential impact of this missense change (SIFT: "Deleterious"; PolyPhen-2: "Probably Damaging"; Align-GVGD: "Class C0"). Experimental studies are conflicting or provide insufficient evidence to determine the effect of this variant on PHGDH function (PMID: 19235232). In summary, the available evidence is currently insufficient to determine the role of this variant in disease. Therefore, it has been classified as a Variant of Uncertain Significance.

Genomic Research Center, Shahid Beheshti University of Medical Sciences
Classification: Likely pathogenic for Neu-Laxova syndrome 1. Last evaluated: 2018-03-05. Review status: criteria provided, single submitter. Criteria: ACMG Guidelines, 2015. Collection method: clinical testing. Allele origin: inherited. Affected: yes. Observed: 1 variant allele.

Genomic Research Center, Shahid Beheshti University of Medical Sciences
Classification: Likely pathogenic for PHGDH deficiency. Last evaluated: 2018-03-05. Review status: criteria provided, single submitter. Criteria: ACMG Guidelines, 2015. Collection method: clinical testing. Allele origin: inherited. Affected: yes. Observed: 1 variant allele.

OMIM
Classification: Pathogenic for PHOSPHOGLYCERATE DEHYDROGENASE DEFICIENCY. Last evaluated: 2009-05-01. Review status: no assertion criteria provided. Collection method: literature only. Allele origin: germline. Not counted in ClinVar's aggregate classification.

Literature cited by the submitters: PubMed 20196394 (cited by Women's Health and Genetics/Laboratory Corporation of America, LabCorp); PubMed 19235232 (cited by 3 submitters).

NM_006623.4(PHGDH):c.781G>A (p.Val261Met)

Gene: PHGDH (phosphoglycerate dehydrogenase; plus strand). Cytogenetic location: 1p12.
Variant type: single nucleotide variant.
Coding change: c.781G>A on transcript NM_006623.4 (MANE Select); coding-DNA position 781, G replaced by A.
Protein change: p.Val261Met; replaces valine 261 with methionine.
Molecular consequence: missense variant.
Genome position (GRCh38, 1-based): chr1:119,735,432, G>A. VCF-style: chr1-119735432-G-A. GRCh37 (hg19) VCF-style: chr1-120278055-G-A.
Other names: short protein forms V261M.
Identifiers: ClinVar variation 3872 (VCV000003872.8), dbSNP rs267606947, ClinGen allele CA116480.